The following is an entry in ClinVar:

ClinVar aggregate classification (germline): Uncertain significance (1 of 4 stars; one submission).

Submission:

CeGaT Center for Human Genetics Tuebingen
Classification: Uncertain significance. Last evaluated: 2024-09-01. Review status: criteria provided, single submitter. Criteria: CeGaT Center For Human Genetics Tuebingen Variant Classification Criteria Version 2. Collection method: clinical testing. Allele origin: germline. Affected: yes. Observed: 1 variant allele.
Comment: MN1: PM2

NM_002430.3(MN1):c.2935C>A (p.Gln979Lys)

Gene: MN1 (MN1 proto-oncogene, transcriptional regulator; minus strand). Cytogenetic location: 22q12.1.
Variant type: single nucleotide variant.
Coding change: c.2935C>A on transcript NM_002430.3 (MANE Select); coding-DNA position 2935, C replaced by A.
Protein change: p.Gln979Lys; replaces glutamine 979 with lysine.
Molecular consequence: missense variant.
Genome position (GRCh38, 1-based): chr22:27,797,609, G>T on the plus strand (C>A on the coding strand, the complement: MN1 is on the minus strand). VCF-style: chr22-27797609-G-T. GRCh37 (hg19) VCF-style: chr22-28193597-G-T.
Other names: short protein forms Q979K.
Identifiers: ClinVar variation 3389576 (VCV003389576.14).
Genomic context (GRCh38, chr22:27,797,609, plus strand): 5'-TCGGTGCCCCGCGCGTCTCGCCTGCGGAGCTTCCCCCGACGGCTGCGCCTGACGCTTGCT[G>T]CTGCCCTGGGCTCACCCCAGGTGCGCCCCCGCTGTCCGGAGCCGCCGAGTACTTGTCAAA-3'
Protein context (NP_002421.3, residues 969-989): GGAPGVSPGQ[Gln979Lys]QASGAAVGGS